The following is an entry in ClinVar:

ClinVar aggregate classification (germline): Uncertain significance (1 of 4 stars; one submission).

Allele frequency attached by ClinVar (database versions not stated): gnomAD exomes below 0.00001 and 0.00002; ExAC 0.00003; gnomAD 0.00006.
gnomAD v4.1: 16 of 1,614,104 alleles (0.00099%); highest among the groups gnomAD compares: African/African-American, 0.021%; no homozygotes.

Submission:

Labcorp Genetics (formerly Invitae), Labcorp
Classification: Uncertain significance. Last evaluated: 2024-05-06. Review status: criteria provided, single submitter. Criteria: Invitae Variant Classification Sherloc (09022015). Collection method: clinical testing. Allele origin: germline.
Comment: This sequence change replaces valine, which is neutral and non-polar, with isoleucine, which is neutral and non-polar, at codon 802 of the IL6ST protein (p.Val802Ile). This variant is present in population databases (rs756534724, gnomAD 0.02%). This variant has not been reported in the literature in individuals affected with IL6ST-related conditions. ClinVar contains an entry for this variant (Variation ID: 1389423). An algorithm developed to predict the effect of missense changes on protein structure and function (PolyPhen-2) suggests that this variant¬†is likely to be tolerated. In summary, the available evidence is currently insufficient to determine the role of this variant in disease. Therefore, it has been classified as a Variant of Uncertain Significance.

NM_002184.4(IL6ST):c.2404G>A (p.Val802Ile)

Gene: IL6ST (interleukin 6 cytokine family signal transducer; minus strand). Cytogenetic location: 5q11.2.
Variant type: single nucleotide variant.
Coding change: c.2404G>A on transcript NM_002184.4 (MANE Select); coding-DNA position 2404, G replaced by A.
Protein change: p.Val802Ile; replaces valine 802 with isoleucine.
Molecular consequence: missense variant. On other transcripts: 3 prime UTR variant (1), non-coding transcript variant (2).
Genome position (GRCh38, 1-based): chr5:55,941,435, C>T on the plus strand (G>A on the coding strand, the complement: IL6ST is on the minus strand). VCF-style: chr5-55941435-C-T. GRCh37 (hg19) VCF-style: chr5-55237263-C-T.
Other names: c.2221G>A, p.Val741Ile (NM_001190981.2); c.2302G>A, p.Val768Ile (NM_001364275.2); c.2194G>A, p.Val732Ile (NM_001364276.2); c.1537G>A, p.Val513Ile (NM_001364277.2); c.1501G>A, p.Val501Ile (NM_001364278.2); c.1408G>A, p.Val470Ile (NM_001364279.2); c.*1331G>A (NM_175767.3); short protein forms V732I, V470I, V501I, V802I, V513I, V741I, V768I.
Identifiers: ClinVar variation 1389423 (VCV001389423.7), dbSNP rs756534724, ClinGen allele CA3271160.